The following is an entry in ClinVar:

NM_033109.5(PNPT1):c.458T>G (p.Leu153Arg)

Gene: PNPT1 (polyribonucleotide nucleotidyltransferase 1; minus strand). Cytogenetic location: 2p16.1.
Variant type: single nucleotide variant.
Coding change: c.458T>G on transcript NM_033109.5 (MANE Select); coding-DNA position 458, T replaced by G.
Protein change: p.Leu153Arg; replaces leucine 153 with arginine.
Molecular consequence: missense variant.
Genome position (GRCh38, 1-based): chr2:55,680,914, A>C on the plus strand (T>G on the coding strand, the complement: PNPT1 is on the minus strand). VCF-style: chr2-55680914-A-C. GRCh37 (hg19) VCF-style: chr2-55908049-A-C.
Other names: c.458T>G (NM_033109.3); short protein forms L153R.
Identifiers: ClinVar variation 1389346 (VCV001389346.6), dbSNP rs368986484, ClinGen allele CA1668458.
Genomic context (GRCh38, chr2:55,680,914, plus strand): 5'-CCGCCATTAATTGCTAGGACATCAGGCTCATTTACACCATCTACTGCTAACAGATTACAC[A>C]GAACCTGGTAAAAGGGAAAAAATTTGATTTGGAAGGGTTATCATTTAGGTTAACATCCTG-3'
Protein context (NP_149100.2, residues 143-163): PAGYFYDTQV[Leu153Arg]CNLLAVDGVN

ClinVar aggregate classification (germline): Uncertain significance. Review status: criteria provided, multiple submitters, no conflicts (2 of 4 stars). 2 submissions from 2 submitters: Uncertain significance (2). Last evaluated 2025-10-01.

Conditions:
Inborn genetic diseases. Identifiers: MedGen C0950123, MeSH D030342.

Allele frequency attached by ClinVar (database versions not stated): gnomAD exomes 0.00001; gnomAD 0.00004 and 0.00003; ESP Exome Variant Server 0.00008; ExAC 0.00002; TOPMed 0.00005.
gnomAD v4.1: 4 of 1,612,670 alleles (0.00025%); highest among the groups gnomAD compares: African/African-American, 0.0053%; no homozygotes.

Submissions (2):

Ambry Genetics
Classification: Uncertain significance for Inborn genetic diseases. Last evaluated: 2025-10-01. Review status: criteria provided, single submitter. Criteria: Ambry Variant Classification Scheme 2023. Collection method: clinical testing. Allele origin: germline.

Labcorp Genetics (formerly Invitae), Labcorp
Classification: Uncertain significance. Last evaluated: 2021-09-01. Review status: criteria provided, single submitter. Criteria: Invitae Variant Classification Sherloc (09022015). Collection method: clinical testing. Allele origin: germline.
Comment: This sequence change replaces leucine with arginine at codon 153 of the PNPT1 protein (p.Leu153Arg). The leucine residue is highly conserved and there is a moderate physicochemical difference between leucine and arginine. This variant is present in population databases (rs368986484, ExAC 0.01%). This variant has not been reported in the literature in individuals affected with PNPT1-related conditions. Advanced modeling of protein sequence and biophysical properties (such as structural, functional, and spatial information, amino acid conservation, physicochemical variation, residue mobility, and thermodynamic stability) performed at Invitae indicates that this missense variant is expected to disrupt PNPT1 protein function. Algorithms developed to predict the effect of sequence changes on RNA splicing suggest that this variant may create or strengthen a splice site. In summary, the available evidence is currently insufficient to determine the role of this variant in disease. Therefore, it has been classified as a Variant of Uncertain Significance.